The following is an entry in ClinVar:

NM_002087.4(GRN):c.1722C>T (p.Arg574=)

Gene: GRN (granulin precursor; plus strand). Cytogenetic location: 17q21.31.
Variant type: single nucleotide variant.
Coding change: c.1722C>T on transcript NM_002087.4 (MANE Select); coding-DNA position 1722, C replaced by T.
Protein change: p.Arg574=; no amino-acid change (arginine 574 retained).
Molecular consequence: synonymous variant.
Genome position (GRCh38, 1-based): chr17:44,352,738, C>T. VCF-style: chr17-44352738-C-T. GRCh37 (hg19) VCF-style: chr17-42430106-C-T.
Identifiers: ClinVar variation 3239548 (VCV003239548.19), dbSNP rs2510058670.

ClinVar aggregate classification (germline): Likely benign (1 of 4 stars; one submission).

Submission:

CeGaT Center for Human Genetics Tuebingen
Classification: Likely benign. Last evaluated: 2024-05-01. Review status: criteria provided, single submitter. Criteria: CeGaT Center For Human Genetics Tuebingen Variant Classification Criteria Version 2. Collection method: clinical testing. Allele origin: germline. Affected: yes. Observed: 1 variant allele.
Comment: GRN: PM2:Supporting, BP4, BP7